The following is an entry in ClinVar:

NM_001009999.3(KDM1A):c.1246C>T (p.Leu416Phe)

Gene: KDM1A (lysine demethylase 1A; plus strand). Cytogenetic location: 1p36.12.
Variant type: single nucleotide variant.
Coding change: c.1246C>T on transcript NM_001009999.3 (MANE Select); coding-DNA position 1246, C replaced by T.
Protein change: p.Leu416Phe; replaces leucine 416 with phenylalanine.
Molecular consequence: missense variant.
Genome position (GRCh38, 1-based): chr1:23,068,605, C>T. VCF-style: chr1-23068605-C-T. GRCh37 (hg19) VCF-style: chr1-23395098-C-T.
Other names: c.1174C>T, p.Leu392Phe (NM_001363654.2, NM_001410763.1, NM_015013.4); c.1234C>T, p.Leu412Phe (NM_001410762.1); short protein forms L392F, L416F, L412F.
Identifiers: ClinVar variation 3863265 (VCV003863265.1).

ClinVar aggregate classification (germline): Uncertain significance (1 of 4 stars; one submission).

Conditions:
Inborn genetic diseases. Identifiers: MedGen C0950123, MeSH D030342.

Submission:

Ambry Genetics
Classification: Uncertain significance for Inborn genetic diseases. Last evaluated: 2025-01-14. Review status: criteria provided, single submitter. Criteria: Ambry Variant Classification Scheme 2023. Collection method: clinical testing. Allele origin: germline.
Comment: The p.L416F variant (also known as c.1246C>T), located in coding exon 11 of the KDM1A gene, results from a C to T substitution at nucleotide position 1246. The leucine at codon 416 is replaced by phenylalanine, an amino acid with highly similar properties. This amino acid position is conserved. In addition, the in silico prediction for this alteration is inconclusive. Based on the available evidence, the clinical significance of this variant remains unclear.